The following is an entry in ClinVar:

GRCh38/hg38 3q29(chr3:196013486-197590232)x1

Genes: BDH1 (3-hydroxybutyrate dehydrogenase 1), CEP19 (centrosomal protein 19; minus strand), DLG1 (discs large MAGUK scaffold protein 1; minus strand), DLG1-AS1 (DLG1 antisense RNA 1; plus strand), DYNLT2B (dynein light chain Tctex-type 2B; minus strand) and 104 more. Cytogenetic location: 3q29.
Variant type: copy number loss.
Change: copy number 1 (one copy instead of two) of chr3:196,013,486-197,590,232 (1.58 Mb, GRCh38 coordinates, 1-based), cytogenetic band 3q29.
Identifiers: ClinVar variation 160885 (VCV000160885.1).

ClinVar aggregate classification (germline): Pathogenic. Review status: criteria provided, multiple submitters, no conflicts (2 of 4 stars). 2 submissions from 2 submitters: Pathogenic (2). Last evaluated 2011-08-12.

Submissions (2):

ISCA site 14
Classification: Pathogenic. Last evaluated: 2011-08-12. Review status: criteria provided, single submitter. Criteria: Kaminsky et al. (Genet Med. 2011). Collection method: clinical testing. Allele origin: unknown. Affected: yes. Observed: 1 variant allele.
Comment: Copy number variation identified through the course of routine clinical cytogenomic testing in postnatal populations. Clinical assertions have been curated as described in Kaminsky et al. 2011.

ISCA site 4
Classification: Pathogenic. Last evaluated: 2011-08-12. Review status: criteria provided, single submitter. Criteria: Kaminsky et al. (Genet Med. 2011). Collection method: clinical testing. Allele origin: unknown. Affected: yes. Observed: 2 variant alleles.
Comment: the same text as in the submission from ISCA site 14 above.